The following is an entry in ClinVar:

NM_014956.5(CEP164):c.2884_2885delinsAA (p.Val962Lys)

Gene: CEP164 (centrosomal protein 164; plus strand). Cytogenetic location: 11q23.3.
Variant type: Indel.
Coding change: c.2884_2885delinsAA on transcript NM_014956.5 (MANE Select); coding-DNA positions 2884 to 2885, GT replaced by AA.
Protein change: p.Val962Lys; replaces valine 962 with lysine.
Molecular consequence: missense variant.
Genome position (GRCh38, 1-based): chr11:117,395,162-117,395,163, GT replaced by AA. VCF-style: chr11-117395162-GT-AA. GRCh37 (hg19) VCF-style: chr11-117265878-GT-AA.
Other names: c.2893_2894delinsAA, p.Val965Lys (NM_001271933.2); short protein forms V965K, V962K.
Identifiers: ClinVar variation 2098679 (VCV002098679.2), dbSNP rs2542105987, ClinGen allele CA2580083556.

ClinVar aggregate classification (germline): Uncertain significance (1 of 4 stars; one submission).

Conditions:
Nephronophthisis 15 (NPHP15). Identifiers: Orphanet 3156, MedGen C3541853, MONDO:0013917, OMIM 614845.

Submission:

Labcorp Genetics (formerly Invitae), Labcorp
Classification: Uncertain significance for Nephronophthisis 15. Last evaluated: 2022-02-18. Review status: criteria provided, single submitter. Criteria: Invitae Variant Classification Sherloc (09022015). Collection method: clinical testing. Allele origin: germline.
Comment: In summary, the available evidence is currently insufficient to determine the role of this variant in disease. Therefore, it has been classified as a Variant of Uncertain Significance. Algorithms developed to predict the effect of missense changes on protein structure and function are either unavailable or do not agree on the potential impact of this missense change (SIFT: "Not Available"; PolyPhen-2: "Possibly Damaging"; Align-GVGD: "Not Available"). This variant has not been reported in the literature in individuals affected with CEP164-related conditions. Information on the frequency of this variant in the gnomAD database is not available, as this variant may be reported differently in the database. This sequence change replaces valine, which is neutral and non-polar, with lysine, which is basic and polar, at codon 962 of the CEP164 protein (p.Val962Lys).